The following is an entry in ClinVar:

NM_000883.4(IMPDH1):c.1417T>C (p.Ser473Pro)

Gene: IMPDH1 (inosine monophosphate dehydrogenase 1; minus strand). Cytogenetic location: 7q32.1.
Variant type: single nucleotide variant.
Coding change: c.1417T>C on transcript NM_000883.4 (MANE Select); coding-DNA position 1417, T replaced by C.
Protein change: p.Ser473Pro; replaces serine 473 with proline.
Molecular consequence: missense variant.
Genome position (GRCh38, 1-based): chr7:128,395,022, A>G on the plus strand (T>C on the coding strand, the complement: IMPDH1 is on the minus strand). VCF-style: chr7-128395022-A-G. GRCh37 (hg19) VCF-style: chr7-128035076-A-G.
Other names: c.1387T>C, p.Ser463Pro (NM_001102605.2); c.1162T>C, p.Ser388Pro (NM_001142573.2); c.1147T>C, p.Ser383Pro (NM_001142574.2); c.1087T>C, p.Ser363Pro (NM_001142575.2); c.1318T>C, p.Ser440Pro (NM_001142576.2); c.1210T>C, p.Ser404Pro (NM_001304521.2); c.1309T>C, p.Ser437Pro (NM_183243.3); short protein forms S363P, S383P, S388P, S404P, S437P, S440P, S463P, S473P.
Identifiers: ClinVar variation 2628051 (VCV002628051.2), dbSNP rs2116601689, ClinGen allele CA369163237.
Genomic context (GRCh38, chr7:128,395,022, plus strand): 5'-GCCGCACCCCGTCTGAGAAGAAGTACTCGCCAGGGGCCTCCGTAGTGGCGGCCAGCAGGG[A>G]GCCCATCATCACTACAGTGGGCAAGGGATTAGTGCCTCCAGCCCACTAGTGCCACCCCCC-3'
Protein context (NP_000874.2, residues 463-483): ALGASTVMMG[Ser473Pro]LLAATTEAPG

ClinVar aggregate classification (germline): Likely pathogenic (1 of 4 stars; one submission).

Conditions:
Retinitis pigmentosa 10 (RP10). Identifiers: Orphanet 791, MedGen C1867299, MONDO:0008379, OMIM 180105.

Submission:

DBGen Ocular Genomics
Classification: Likely pathogenic for Retinitis pigmentosa 10. Last evaluated: 2023-01-01. Review status: criteria provided, single submitter. Criteria: ACMG Guidelines, 2015. Collection method: clinical testing. Allele origin: unknown. Inheritance: Autosomal dominant inheritance. Affected: yes.
Comment: Class 4 ACMG Guidelines, 2015